The following is an entry in ClinVar:

ClinVar aggregate classification (germline): Uncertain significance. Review status: criteria provided, multiple submitters, no conflicts (2 of 4 stars). 2 submissions from 2 submitters: Uncertain significance (2). Last evaluated 2025-04-06.

gnomAD v4.1: 32 of 1,535,272 alleles (0.0021%); highest among the groups gnomAD compares: African/African-American, 0.0082%; no homozygotes.

Submissions (2):

Ambry Genetics
Classification: Uncertain significance. Last evaluated: 2025-04-06. Review status: criteria provided, single submitter. Criteria: Ambry Variant Classification Scheme 2023. Collection method: clinical testing. Allele origin: germline.

Labcorp Genetics (formerly Invitae), Labcorp
Classification: Uncertain significance. Last evaluated: 2024-05-14. Review status: criteria provided, single submitter. Criteria: Invitae Variant Classification Sherloc (09022015). Collection method: clinical testing. Allele origin: germline.
Comment: This sequence change replaces valine, which is neutral and non-polar, with isoleucine, which is neutral and non-polar, at codon 1721 of the SORL1 protein (p.Val1721Ile). This variant is present in population databases (rs766211371, gnomAD 0.01%). This variant has not been reported in the literature in individuals affected with SORL1-related conditions. Algorithms developed to predict the effect of missense changes on protein structure and function output the following: SIFT: "Not Available"; PolyPhen-2: "Benign"; Align-GVGD: "Not Available". The isoleucine amino acid residue is found in multiple mammalian species, which suggests that this missense change does not adversely affect protein function. In summary, the available evidence is currently insufficient to determine the role of this variant in disease. Therefore, it has been classified as a Variant of Uncertain Significance.

NM_003105.6(SORL1):c.5161G>A (p.Val1721Ile)

Gene: SORL1 (sortilin related receptor 1; plus strand). Cytogenetic location: 11q24.1.
Variant type: single nucleotide variant.
Coding change: c.5161G>A on transcript NM_003105.6 (MANE Select); coding-DNA position 5161, G replaced by A.
Protein change: p.Val1721Ile; replaces valine 1721 with isoleucine.
Molecular consequence: missense variant.
Genome position (GRCh38, 1-based): chr11:121,607,285, G>A. VCF-style: chr11-121607285-G-A. GRCh37 (hg19) VCF-style: chr11-121477994-G-A.
Other names: c.5161G>A (NM_003105.5); short protein forms V1721I.
Identifiers: ClinVar variation 3714098 (VCV003714098.3).
Genomic context (GRCh38, chr11:121,607,285, plus strand): 5'-CAGAGGGCTGCTAGTAACTTTACAGAAATCAAGAACTTATTGGTCAACACTCTATACACC[G>A]TCAGAGTGAGTGTCGTCATCCATTCCAGCCATCCATGCAGTCTTAGAACTGAGCGAAATT-3'
Protein context (NP_003096.2, residues 1711-1731): KNLLVNTLYT[Val1721Ile]RVAAVTSRGI